The following is an entry in ClinVar:

NM_005045.4(RELN):c.9295AAG[1] (p.Lys3100del)

Genes: RELN (reelin; minus strand), SLC26A5-AS1 (SLC26A5 antisense RNA 1; plus strand). Cytogenetic location: 7q22.1.
Variant type: Microsatellite.
Coding change: c.9295AAG[1] on transcript NM_005045.4 (MANE Select); one copy of the 3-base unit AAG starting at c.9295; the reference has two copies in a row; one copy, 3 bases deleted.
Protein change: p.Lys3100del; deletes lysine 3100.
Molecular consequence: inframe deletion.
Genome position (GRCh38, 1-based): chr7:103,495,792-103,495,794, CTT deleted on the plus strand (AAG on the coding strand, the reverse complement: RELN is on the minus strand); deleting any 3 consecutive bases within chr7:103,495,792-103,495,797 gives the same sequence; the position shown is the placement nearest the transcript's 3' end. VCF-style (leftmost placement, unchanged base first): chr7-103495791-CCTT-C. GRCh37 (hg19) VCF-style: chr7-103136238-CCTT-C.
Other names: c.9295AAG[1], p.Lys3100del (NM_173054.3); c.9298_9300delAAG (NM_005045.4); short protein forms K3100del.
Identifiers: ClinVar variation 198005 (VCV000198005.39), dbSNP rs762015967, ClinGen allele CA246468.

ClinVar aggregate classification (germline): Conflicting classifications of pathogenicity. Review status: criteria provided, conflicting classifications (1 of 4 stars). 10 submissions from 10 submitters: Uncertain significance (6); Benign (1); Likely benign (2). 1 of the submissions does not count toward it. Last evaluated 2026-04-22.

Conditions:
Inborn genetic diseases. Identifiers: MedGen C0950123, MeSH D030342.
Norman-Roberts syndrome (LIS2). Also called: Lissencephaly 2 (Norman-Roberts type). Identifiers: Orphanet 89844, MedGen C0796089, MONDO:0009760, OMIM 257320.
Familial temporal lobe epilepsy 7. Identifiers: Orphanet 101046, MedGen C4225327, MONDO:0014639, OMIM 616436.
RELN-related disorder. Also called: RELN-related condition.

Submissions (10):

Women's Health and Genetics/Laboratory Corporation of America, LabCorp
Classification: Likely benign. Last evaluated: 2026-04-22. Review status: criteria provided, single submitter. Criteria: LabCorp Variant Classification Summary - May 2015. Collection method: clinical testing. Allele origin: germline.
Comment: Variant summary: RELN c.9298_9300delAAG (p.Lys3100del) results in an in-frame deletion that is predicted to remove one amino acid from the encoded protein. The variant allele was found at a frequency of 0.00014 in 251338 control chromosomes, predominantly at a frequency of 0.0019 within the African or African-American subpopulation in the gnomAD database. The observed variant frequency within African or African-American control individuals in the gnomAD database exceeds the estimated maximal expected allele frequency for disease-causing variants in RELN. To our knowledge, no occurrence of c.9298_9300delAAG in individuals affected with RELN-related conditions and no experimental evidence demonstrating its impact on protein function have been reported. ClinVar contains an entry for this variant (Variation ID: 198005). Based on the evidence outlined above, the variant was classified as likely benign.

Labcorp Genetics (formerly Invitae), Labcorp
Classification: Benign for Familial temporal lobe epilepsy 7; Norman-Roberts syndrome. Last evaluated: 2026-01-28. Review status: criteria provided, single submitter. Criteria: Invitae Variant Classification Sherloc (09022015). Collection method: clinical testing. Allele origin: germline.

GeneDx
Classification: Uncertain significance. Last evaluated: 2024-04-12. Review status: criteria provided, single submitter. Criteria: GeneDx Variant Classification Process June 2021. Collection method: clinical testing. Allele origin: germline. Affected: yes.
Comment: In-frame deletion of 1 amino acid in a non-repeat region; In silico analysis supports a deleterious effect on protein structure/function; Has not been previously published as pathogenic or benign to our knowledge

Mayo Clinic Laboratories, Mayo Clinic
Classification: Uncertain significance. Last evaluated: 2021-11-26. Review status: criteria provided, single submitter. Criteria: ACMG Guidelines, 2015. Collection method: clinical testing. Allele origin: germline. Observed: 2 variant alleles.

Ambry Genetics
Classification: Likely benign for Inborn genetic diseases. Last evaluated: 2021-07-14. Review status: criteria provided, single submitter. Criteria: Ambry Variant Classification Scheme 2023. Collection method: clinical testing. Allele origin: germline.

New York Genome Center
Classification: Uncertain significance for Familial temporal lobe epilepsy 7. Last evaluated: 2019-07-12. Review status: criteria provided, single submitter. Criteria: NYGC Assertion Criteria 2020. Collection method: clinical testing. Allele origin: germline. Observed: 1 heterozygote. Study: CSER-NYCKidSeq.

Genetic Services Laboratory, University of Chicago
Classification: Uncertain significance. Last evaluated: 2016-01-05. Review status: criteria provided, single submitter. Criteria: ACMG Guidelines, 2015. Collection method: clinical testing. Allele origin: germline. Affected: no.

Eurofins Ntd Llc (ga)
Classification: Uncertain significance. Last evaluated: 2014-05-29. Review status: criteria provided, single submitter. Criteria: EGL Classification Definitions 2015. Collection method: clinical testing. Allele origin: germline. Observed: 1 variant allele, 1 heterozygote.

Center for Genomics, Ann and Robert H. Lurie Children's Hospital of Chicago
Classification: Uncertain significance for Norman-Roberts syndrome; Familial temporal lobe epilepsy 7. Review status: criteria provided, single submitter. Criteria: ACMG Guidelines, 2015. Collection method: clinical testing. Allele origin: germline.
Comment: RELN NM_005045.3 exon 57 p.Lys3100del (c.9298_9300del): This variant has not been reported in the literature but is present in 0.2% (85/41368) of African alleles including 1 homozygote in the Genome Aggregation Database. This variant is present in ClinVar (Variation ID:198005). Evolutionary conservation and computational predictive tools for this variant are limited or unavailable. This variant represents an in-frame deletion of 1 amino acid at position 3100 and is not predicted to alter the reading frame. However, the effect of this variant on the protein is unclear. In summary, data on this variant is insufficient for disease classification. Therefore, the clinical significance of this variant is uncertain

PreventionGenetics, part of Exact Sciences
Classification: Likely benign for RELN-related condition. Last evaluated: 2022-07-14. Review status: no assertion criteria provided. Collection method: clinical testing. Allele origin: germline. Not counted in ClinVar's aggregate classification.
Comment: This variant is classified as likely benign based on ACMG/AMP sequence variant interpretation guidelines (Richards et al. 2015 PMID: 25741868, with internal and published modifications).